The following is an entry in ClinVar:

ClinVar aggregate classification (germline): Likely benign (0 of 4 stars; one submission).

Conditions:
PIEZO1-related disorder. Also called: PIEZO1-related condition; PIEZO1-Related Disorders.

Allele frequency attached by ClinVar (database versions not stated): gnomAD exomes below 0.00001; TOPMed below 0.00001.
gnomAD v4.1: 2 of 1,550,010 alleles (0.00013%); highest among the groups gnomAD compares: African/African-American, 0.0014%; no homozygotes.

Submission:

PreventionGenetics, part of Exact Sciences
Classification: Likely benign for PIEZO1-related condition. Last evaluated: 2020-08-04. Review status: no assertion criteria provided. Collection method: clinical testing. Allele origin: germline.
Comment: This variant is classified as likely benign based on ACMG/AMP sequence variant interpretation guidelines (Richards et al. 2015 PMID: 25741868, with internal and published modifications).

NM_001142864.4(PIEZO1):c.2097C>T (p.His699=)

Genes: HSALR1 (HSP90AB1 associated lncRNA 1; plus strand), PIEZO1 (piezo type mechanosensitive ion channel component 1 (Er blood group); minus strand). Cytogenetic location: 16q24.3.
Variant type: single nucleotide variant.
Coding change: c.2097C>T on transcript NM_001142864.4 (MANE Select); coding-DNA position 2097, C replaced by T.
Protein change: p.His699=; no amino-acid change (histidine 699 retained).
Molecular consequence: synonymous variant.
Genome position (GRCh38, 1-based): chr16:88,734,439, G>A on the plus strand (C>T on the coding strand, the complement: PIEZO1 is on the minus strand). VCF-style: chr16-88734439-G-A. GRCh37 (hg19) VCF-style: chr16-88800847-G-A.
Other names: c.642C>T, p.His214= (NM_014745.1).
Identifiers: ClinVar variation 3035961 (VCV003035961.2), dbSNP rs1905072441, ClinGen allele CA497366791.
Genomic context (GRCh38, chr16:88,734,439, plus strand): 5'-CGTGCCAGGCAGGGACACGTGCTCCATGTCGGTGAGCTGCATGAAGGGCCTGTGGAAGTA[G>A]TGCAGCTGCAGGATGCAGGCCAGGAGGAAGAAGCCGGGCACCAGGATGCTGGAGAAGAGC-3'
Protein context (NP_001136336.2, residues 689-709): FFLLACILQL[His699=]YFHRPFMQLT